The following is an entry in ClinVar:

ClinVar aggregate classification (germline): Uncertain significance (1 of 4 stars; one submission).

Conditions:
Neuropathy, hereditary motor and sensory, type 6B (HMSN6B). Also called: HMSN VIB; CHARCOT-MARIE-TOOTH DISEASE, TYPE 6B; Neuropathy, hereditary motor and sensory, type VIB; NEUROPATHY, HEREDITARY MOTOR AND SENSORY, TYPE VIB, WITH OPTIC ATROPHY. Identifiers: MedGen C4225302, MONDO:0014671, OMIM 616505.

Allele frequency attached by ClinVar (database versions not stated): gnomAD exomes below 0.00001 and 0.00002.
gnomAD v4.1: 14 of 1,613,578 alleles (0.00087%); highest among the groups gnomAD compares: Non-Finnish European, 0.0012%; no homozygotes.

Submission:

Labcorp Genetics (formerly Invitae), Labcorp
Classification: Uncertain significance for Neuropathy, hereditary motor and sensory, type 6B. Last evaluated: 2020-12-06. Review status: criteria provided, single submitter. Criteria: Invitae Variant Classification Sherloc (09022015). Collection method: clinical testing. Allele origin: germline.
Comment: In summary, the available evidence is currently insufficient to determine the role of this variant in disease. Therefore, it has been classified as a Variant of Uncertain Significance. This sequence change replaces glutamine with histidine at codon 378 of the SLC25A46 protein (p.Gln378His). The glutamine residue is weakly conserved and there is a small physicochemical difference between glutamine and histidine. This variant is not present in population databases (ExAC no frequency). This variant has not been reported in the literature in individuals with SLC25A46-related conditions. Algorithms developed to predict the effect of missense changes on protein structure and function are either unavailable or do not agree on the potential impact of this missense change (SIFT: "Tolerated"; PolyPhen-2: "Possibly Damaging"; Align-GVGD: "Class C0").

NM_138773.4(SLC25A46):c.1134G>C (p.Gln378His)

Gene: SLC25A46 (solute carrier family 25 member 46; plus strand). Cytogenetic location: 5q22.1.
Variant type: single nucleotide variant.
Coding change: c.1134G>C on transcript NM_138773.4 (MANE Select); coding-DNA position 1134, G replaced by C.
Protein change: p.Gln378His; replaces glutamine 378 with histidine.
Molecular consequence: missense variant. On other transcripts: non-coding transcript variant (1).
Genome position (GRCh38, 1-based): chr5:110,761,659, G>C. VCF-style: chr5-110761659-G-C. GRCh37 (hg19) VCF-style: chr5-110097359-G-C.
Other names: c.891G>C, p.Gln297His (NM_001303249.3); c.861G>C, p.Gln287His (NM_001303250.3); short protein forms Q297H, Q287H, Q378H.
Identifiers: ClinVar variation 1476435 (VCV001476435.8), dbSNP rs1164068029, ClinGen allele CA360697480.